The following is an entry in ClinVar:

NM_023110.3(FGFR1):c.448+1G>A

Gene: FGFR1 (fibroblast growth factor receptor 1; minus strand). Cytogenetic location: 8p11.23.
Variant type: single nucleotide variant.
Coding change: c.448+1G>A on transcript NM_023110.3 (MANE Select); the canonical splice donor site of the intron after coding-DNA position 448, G replaced by A.
Molecular consequence: splice donor variant. On other transcripts: intron variant (9).
Genome position (GRCh38, 1-based): chr8:38,428,345, C>T on the plus strand (G>A on the coding strand, the complement: FGFR1 is on the minus strand). VCF-style: chr8-38428345-C-T. GRCh37 (hg19) VCF-style: chr8-38285863-C-T.
Other names: c.175+7G>A (NM_001354368.2, NM_001354370.2, NM_023106.3); c.181+1G>A (NM_023105.3, NM_001174066.2); c.442+7G>A (NM_001354367.2, NM_015850.4, NM_001354369.2 and 2 more transcripts); c.448+1G>A (NM_001174063.2); c.424+1G>A (NM_001174064.2); c.541+7G>A (NM_001174067.2).
Identifiers: ClinVar variation 654366 (VCV000654366.10), dbSNP rs376416531, ClinGen allele CA4718743.

ClinVar aggregate classification (germline): Likely pathogenic. Review status: criteria provided, multiple submitters, no conflicts (2 of 4 stars). 3 submissions from 3 submitters: Likely pathogenic (3). Last evaluated 2025-09-01.

Conditions:
Pfeiffer syndrome (ACS5). Also called: ACS V. Identifiers: Orphanet 710, MedGen C0220658, MONDO:0007043, OMIM 101600.
Hypogonadotropic hypogonadism 2 with or without anosmia (HH2). Also called: FGFR1-Related GnRH Deficiency (Kallmann Syndrome 2); HYPOGONADOTROPIC HYPOGONADISM 2 WITHOUT ANOSMIA; HYPOGONADOTROPIC HYPOGONADISM 2 WITH OR WITHOUT ANOSMIA, SUSCEPTIBILITY TO; HYPOGONADOTROPIC HYPOGONADISM 2 WITHOUT ANOSMIA, SUSCEPTIBILITY TO. Identifiers: Orphanet 478, MedGen C1563720, MONDO:0007844, OMIM 147950. Disease mechanism: loss of function.
Hartsfield-Bixler-Demyer syndrome (HRTFDS). Also called: Holoprosencephaly, ectrodactyly, and bilateral cleft lip/palate; Hartsfield syndrome; FGFR1-Related Hartsfield Syndrome. Identifiers: Orphanet 2117, MedGen C1845146, MONDO:0014196, OMIM 615465. Disease mechanism: loss of function.
Trigonocephaly 1 (TRIGNO1). Identifiers: Orphanet 3366, MedGen C0432122, MONDO:0008603, OMIM 190440.
Jackson-Weiss syndrome (JWS). Also called: CRANIOSYNOSTOSIS, MIDFACIAL HYPOPLASIA, AND FOOT ABNORMALITIES. Identifiers: Orphanet 1540, MedGen C0795998, MONDO:0007400, OMIM 123150. Disease mechanism: loss of function.
Encephalocraniocutaneous lipomatosis (ECCL). Identifiers: Orphanet 2396, MedGen C0406612, MONDO:0013074, OMIM 613001.
Osteoglophonic dysplasia (OGD). Also called: Osteoglophonic dwarfism. Identifiers: Orphanet 2645, MedGen C0432283, MONDO:0008150, OMIM 166250.

Allele frequency attached by ClinVar (database versions not stated): 1000 Genomes Project below 0.00001; TOPMed 0.00002; 1000 Genomes Project 30x 0.00016.
gnomAD v4.1: 16 of 1,613,466 alleles (0.00099%); highest among the groups gnomAD compares: Admixed American, 0.01%; no homozygotes.

Submissions (3):

Labcorp Genetics (formerly Invitae), Labcorp
Classification: Likely pathogenic for Pfeiffer syndrome; Hypogonadotropic hypogonadism 2 with or without anosmia. Last evaluated: 2025-09-01. Review status: criteria provided, single submitter. Criteria: Invitae Variant Classification Sherloc (09022015). Collection method: clinical testing. Allele origin: germline.
Comment: This sequence change affects a donor splice site in intron 4 of the FGFR1 gene. It is expected to disrupt RNA splicing. Variants that disrupt the donor or acceptor splice site typically lead to a loss of protein function (PMID: 16199547), and loss-of-function variants in FGFR1 are known to be pathogenic (PMID: 12627230). This variant is present in population databases (rs376416531, gnomAD 0.01%). This variant has not been reported in the literature in individuals affected with FGFR1-related conditions. ClinVar contains an entry for this variant (Variation ID: 654366). Algorithms developed to predict the effect of sequence changes on RNA splicing suggest that this variant may disrupt the consensus splice site. In summary, the currently available evidence indicates that the variant is pathogenic, but additional data are needed to prove that conclusively. Therefore, this variant has been classified as Likely Pathogenic.

Fulgent Genetics
Classification: Likely pathogenic for Pfeiffer syndrome; Jackson-Weiss syndrome; Hypogonadotropic hypogonadism 2 with or without anosmia; Osteoglophonic dysplasia; Trigonocephaly 1; Encephalocraniocutaneous lipomatosis; Hartsfield-Bixler-Demyer syndrome. Last evaluated: 2024-01-15. Review status: criteria provided, single submitter. Criteria: ACMG Guidelines, 2015. Collection method: clinical testing. Allele origin: germline.

Breakthrough Genomics
Classification: Likely pathogenic for Pfeiffer syndrome. Last evaluated: 2021-04-23. Review status: criteria provided, single submitter. Criteria: ACMG Guidelines, 2015. Collection method: clinical testing. Allele origin: germline. Affected: yes.
Comment: This variant lies in the essential splice donor site and in silico splice prediction tool (ASSP) suggest that this variant might affect splicing due to the loss of constitutive splice site and introduction of a new splice site, which in turn might lead to a frameshift and consequent premature termination of the protein; this will likely result in loss-of-function (LOF). It is previously reported that LOF is a known mechanism for the causing the disease in FGFR1 gene [PMID:12627230, 23154428]. The variant has not been previously reported in the literature.

Literature cited by the submitters: PubMed 16199547 (cited by Labcorp Genetics (formerly Invitae), Labcorp); PubMed 12627230 (cited by Labcorp Genetics (formerly Invitae), Labcorp).